The following is an entry in ClinVar:

NM_001961.4(EEF2):c.877A>C (p.Ile293Leu)

Gene: EEF2 (eukaryotic translation elongation factor 2; minus strand). Cytogenetic location: 19p13.3.
Variant type: single nucleotide variant.
Coding change: c.877A>C on transcript NM_001961.4 (MANE Select); coding-DNA position 877, A replaced by C.
Protein change: p.Ile293Leu; replaces isoleucine 293 with leucine.
Molecular consequence: missense variant.
Genome position (GRCh38, 1-based): chr19:3,981,967, T>G on the plus strand (A>C on the coding strand, the complement: EEF2 is on the minus strand). VCF-style: chr19-3981967-T-G. GRCh37 (hg19) VCF-style: chr19-3981965-T-G.
Other names: short protein forms I293L.
Identifiers: ClinVar variation 1995324 (VCV001995324.4), dbSNP rs2512204678, ClinGen allele CA403393909.

ClinVar aggregate classification (germline): Uncertain significance (1 of 4 stars; one submission).

gnomAD v4.1: 1 of 1,614,066 alleles (0.000062%); highest among the groups gnomAD compares: Non-Finnish European, 0.000085%; no homozygotes.

Submission:

Labcorp Genetics (formerly Invitae), Labcorp
Classification: Uncertain significance. Last evaluated: 2022-05-16. Review status: criteria provided, single submitter. Criteria: Invitae Variant Classification Sherloc (09022015). Collection method: clinical testing. Allele origin: germline.
Comment: This sequence change replaces isoleucine, which is neutral and non-polar, with leucine, which is neutral and non-polar, at codon 293 of the EEF2 protein (p.Ile293Leu). Algorithms developed to predict the effect of missense changes on protein structure and function are either unavailable or do not agree on the potential impact of this missense change (SIFT: "Deleterious"; PolyPhen-2: "Benign"; Align-GVGD: "Class C0"). In summary, the available evidence is currently insufficient to determine the role of this variant in disease. Therefore, it has been classified as a Variant of Uncertain Significance. This variant has not been reported in the literature in individuals affected with EEF2-related conditions. This variant is not present in population databases (gnomAD no frequency).